The following is an entry in ClinVar:

ClinVar aggregate classification (germline): Uncertain significance (1 of 4 stars; one submission).

Conditions:
Hereditary cancer-predisposing syndrome. Also called: Neoplastic Syndromes, Hereditary; Tumor predisposition; Hereditary neoplastic syndrome; Hereditary Cancer Syndrome. Identifiers: Orphanet 140162, MedGen C0027672, MeSH D009386, MONDO:0015356.

Submission:

Ambry Genetics
Classification: Uncertain significance for Hereditary cancer-predisposing syndrome. Last evaluated: 2026-07-07. Review status: criteria provided, single submitter. Criteria: Ambry Variant Classification Scheme 2023. Collection method: clinical testing. Allele origin: germline.
Comment: The p.Q2117P variant (also known as c.6350A>C), located in coding exon 15 of the APC gene, results from an A to C substitution at nucleotide position 6350. The glutamine at codon 2117 is replaced by proline, an amino acid with similar properties. This amino acid position is conserved. In addition, in silico predictors for this gene do not accurately predict pathogenicity. Based on the available evidence, the clinical significance of this variant remains unclear.

NM_000038.6(APC):c.6350A>C (p.Gln2117Pro)

Gene: APC (APC regulator of Wnt signaling pathway; plus strand). Cytogenetic location: 5q22.2.
Variant type: single nucleotide variant.
Coding change: c.6350A>C on transcript NM_000038.6 (MANE Select); coding-DNA position 6350, A replaced by C.
Protein change: p.Gln2117Pro; replaces glutamine 2117 with proline.
Molecular consequence: missense variant. On other transcripts: non-coding transcript variant (2).
Genome position (GRCh38, 1-based): chr5:112,841,944, A>C. VCF-style: chr5-112841944-A-C. GRCh37 (hg19) VCF-style: chr5-112177641-A-C.
Other names: c.6350A>C, p.Gln2117Pro (NM_001127510.3, NM_001354895.2, NM_001407450.1); c.6296A>C, p.Gln2099Pro (NM_001127511.3); c.6404A>C, p.Gln2135Pro (NM_001354896.2, NM_001407447.1, NM_001407448.1 and 1 more transcripts); c.6380A>C, p.Gln2127Pro (NM_001354897.2); c.6275A>C, p.Gln2092Pro (NM_001354898.2); c.6266A>C, p.Gln2089Pro (NM_001354899.2); c.6227A>C, p.Gln2076Pro (NM_001354900.2); c.6173A>C, p.Gln2058Pro (NM_001354901.2, NM_001407453.1); and 11 more; short protein forms Q2016P, Q2099P, Q2107P, Q2110P, Q2145P, Q1834P, Q1988P, Q2026P.
Identifiers: ClinVar variation 5025158 (VCV005025158.1).